The following is an entry in ClinVar:

ClinVar aggregate classification (germline): Likely benign (1 of 4 stars; one submission).

Allele frequency attached by ClinVar (database versions not stated): 1000 Genomes Project 30x 0.00187; 1000 Genomes Project 0.00220; TOPMed 0.00351; gnomAD 0.00443; ESP Exome Variant Server 0.00446; ExAC 0.00497.
gnomAD v4.1: 8,853 of 1,613,996 alleles (0.55%); highest among the groups gnomAD compares: South Asian, 1.1%; 48 homozygotes.

Submission:

CeGaT Center for Human Genetics Tuebingen
Classification: Likely benign. Last evaluated: 2022-11-01. Review status: criteria provided, single submitter. Criteria: CeGaT Center For Human Genetics Tuebingen Variant Classification Criteria Version 2. Collection method: clinical testing. Allele origin: germline. Affected: yes. Observed: 1 variant allele.
Comment: SFSWAP: BP4, BS2

NM_004592.4(SFSWAP):c.565G>A (p.Val189Ile)

Gene: SFSWAP (splicing factor SWAP; plus strand). Cytogenetic location: 12q24.33.
Variant type: single nucleotide variant.
Coding change: c.565G>A on transcript NM_004592.4 (MANE Select); coding-DNA position 565, G replaced by A.
Protein change: p.Val189Ile; replaces valine 189 with isoleucine.
Molecular consequence: missense variant.
Genome position (GRCh38, 1-based): chr12:131,719,498, G>A. VCF-style: chr12-131719498-G-A. GRCh37 (hg19) VCF-style: chr12-132204043-G-A.
Other names: c.565G>A, p.Val189Ile (NM_001261411.2); short protein forms V189I.
Identifiers: ClinVar variation 2643601 (VCV002643601.24), dbSNP rs35562367, ClinGen allele CA6880820.
Genomic context (GRCh38, chr12:131,719,498, plus strand): 5'-TTTTCTTTTTATGCAGAAAAAAATGAGGCCGAAAATTTAGAGGAAAATGAAGAGCCCTTC[G>A]TTGCCCCCTTAGGATTGAGCGTCCCGTCTGACGTGGAGTTGGTATGTGTCCTGCATGAGC-3'
Protein context (NP_004583.2, residues 179-199): ENLEENEEPF[Val189Ile]APLGLSVPSD